The following is an entry in ClinVar:

ClinVar aggregate classification (germline): Benign/Likely benign. Review status: criteria provided, multiple submitters, no conflicts (2 of 4 stars). 6 submissions from 5 submitters: Benign (4); Likely benign (2). Last evaluated 2021-06-10.

Conditions:
Retinitis pigmentosa 74 (RP74). Identifiers: Orphanet 791, MedGen C4225281, MONDO:0014692, OMIM 616562.
Bardet-Biedl syndrome 2 (BBS2). Identifiers: Orphanet 110, MedGen C2936863, MONDO:0014432, OMIM 615981.

Allele frequency attached by ClinVar (database versions not stated): ExAC 0.07070; gnomAD 0.07623 and 0.07807; 1000 Genomes Project 30x 0.11836; ESP Exome Variant Server 0.06152; gnomAD exomes 0.05030 and 0.06826; TOPMed 0.07932; 1000 Genomes Project 0.11701.
gnomAD v4.1: 82,546 of 1,546,074 alleles (5.3%); highest among the groups gnomAD compares: African/African-American, 15%; 3,366 homozygotes.

Submissions (6):

Genome-Nilou Lab
Classification: Benign for Bardet-Biedl syndrome 2. Last evaluated: 2021-06-10. Review status: criteria provided, single submitter. Criteria: ACMG Guidelines, 2015. Collection method: clinical testing. Allele origin: germline. Affected: no.

Genome-Nilou Lab
Classification: Benign for Retinitis pigmentosa 74. Last evaluated: 2021-06-10. Review status: criteria provided, single submitter. Criteria: ACMG Guidelines, 2015. Collection method: clinical testing. Allele origin: germline. Affected: no.

GeneDx
Classification: Benign. Last evaluated: 2021-05-10. Review status: criteria provided, single submitter. Criteria: GeneDx Variant Classification Process June 2021. Collection method: clinical testing. Allele origin: germline. Affected: yes.

Illumina Laboratory Services, Illumina
Classification: Benign for Bardet-Biedl syndrome 2. Last evaluated: 2018-01-13. Review status: criteria provided, single submitter. Criteria: ICSL Variant Classification Criteria 13 December 2019. Collection method: clinical testing. Allele origin: germline.
Comment: This variant was observed in the ICSL laboratory as part of a predisposition screen in an ostensibly healthy population. It had not been previously curated by ICSL or reported in the Human Gene Mutation Database (HGMD: prior to June 1st, 2018), and was therefore a candidate for classification through an automated scoring system. Utilizing variant allele frequency, disease prevalence and penetrance estimates, and inheritance mode, an automated score was calculated to assess if this variant is too frequent to cause the disease. Based on the score and internal cut-off values, a variant classified as benign is not then subjected to further curation. The score for this variant resulted in a classification of benign for this disease.

Breakthrough Genomics
Classification: Likely benign. Review status: criteria provided, single submitter. Criteria: ACMG Guidelines, 2015. Collection method: not provided. Allele origin: germline. Inheritance: Autosomal recessive inheritance. Affected: yes.

PreventionGenetics, part of Exact Sciences
Classification: Likely benign. Review status: criteria provided, single submitter. Criteria: ACMG Guidelines, 2015. Collection method: clinical testing. Allele origin: germline.

NM_031885.5(BBS2):c.-42T>G

Gene: BBS2 (Bardet-Biedl syndrome 2; minus strand). Cytogenetic location: 16q13.
Variant type: single nucleotide variant.
Coding change: c.-42T>G on transcript NM_031885.5 (MANE Select); 42 bases upstream of the start codon, T replaced by G.
Molecular consequence: 5 prime UTR variant. On other transcripts: non-coding transcript variant (5).
Genome position (GRCh38, 1-based): chr16:56,519,904, A>C on the plus strand (T>G on the coding strand, the complement: BBS2 is on the minus strand). VCF-style: chr16-56519904-A-C. GRCh37 (hg19) VCF-style: chr16-56553816-A-C.
Other names: c.-42T>G (NM_001377456.1).
Identifiers: ClinVar variation 261978 (VCV000261978.11), dbSNP rs78076550, ClinGen allele CA8066172.